The following is an entry in ClinVar:

NM_005267.5(GJA8):c.1300T>C (p.Ter434Arg)

Gene: GJA8 (gap junction protein alpha 8; plus strand). Cytogenetic location: 1q21.2.
Variant type: single nucleotide variant.
Coding change: c.1300T>C on transcript NM_005267.5 (MANE Select); coding-DNA position 1300, T replaced by C.
Protein change: p.Ter434Arg.
Molecular consequence: stop lost.
Genome position (GRCh38, 1-based): chr1:147,909,255, T>C. VCF-style: chr1-147909255-T-C. GRCh37 (hg19) VCF-style: chr1-147381382-T-C.
Identifiers: ClinVar variation 3067488 (VCV003067488.21), dbSNP rs372496314, ClinGen allele CA342227323.
Genomic context (GRCh38, chr1:147,909,255, plus strand): 5'-AGACCCCTGAGCAGGCTAAGCAAAGCCAGCAGCCGAGCCAGGTCAGACGATCTAACCGTA[T>C]GAAGTGACGCCAAAGAAAAAAAAAAAAACGCCCAAGCTTACGTAGGGCAAGATGAAAGGA-3'

ClinVar aggregate classification (germline): Uncertain significance (1 of 4 stars; one submission).

Allele frequency attached by ClinVar (database versions not stated): gnomAD exomes 0.00001; TOPMed 0.00002.

Submission:

CeGaT Center for Human Genetics Tuebingen
Classification: Uncertain significance. Last evaluated: 2024-03-01. Review status: criteria provided, single submitter. Criteria: CeGaT Center For Human Genetics Tuebingen Variant Classification Criteria Version 2. Collection method: clinical testing. Allele origin: germline. Affected: yes. Observed: 1 variant allele.
Comment: GJA8: PM4, PM2:Supporting